The following is an entry in ClinVar:

NM_006922.4(SCN3A):c.5411C>T (p.Ala1804Val)

Gene: SCN3A (sodium voltage-gated channel alpha subunit 3; minus strand). Cytogenetic location: 2q24.3.
Variant type: single nucleotide variant.
Coding change: c.5411C>T on transcript NM_006922.4 (MANE Select); coding-DNA position 5411, C replaced by T.
Protein change: p.Ala1804Val; replaces alanine 1804 with valine.
Molecular consequence: missense variant.
Genome position (GRCh38, 1-based): chr2:165,090,742, G>A on the plus strand (C>T on the coding strand, the complement: SCN3A is on the minus strand). VCF-style: chr2-165090742-G-A. GRCh37 (hg19) VCF-style: chr2-165947252-G-A.
Other names: c.5264C>T, p.Ala1755Val (NM_001081676.2, NM_001081677.2); short protein forms A1804V, A1755V.
Identifiers: ClinVar variation 288988 (VCV000288988.10), dbSNP rs764672375, ClinGen allele CA1938410.
Genomic context (GRCh38, chr2:165,090,742, plus strand): 5'-AGAGGAGGATCCAGGGCAGCTGCAAAATCAGAGAGTTTAGAGAACTCTATAAACTGGGTC[G>A]CATCGGGATCAAACTTTTCCCAAACCTCATAGAACATCTCAAAGTCATCCTCACTCAGGG-3'
Protein context (NP_008853.3, residues 1794-1814): YEVWEKFDPD[Ala1804Val]TQFIEFSKLS

ClinVar aggregate classification (germline): Uncertain significance. Review status: criteria provided, multiple submitters, no conflicts (2 of 4 stars). 2 submissions from 2 submitters: Uncertain significance (2). Last evaluated 2024-12-17.

Allele frequency attached by ClinVar (database versions not stated): ExAC 0.00001; TOPMed 0.00002; gnomAD 0.00003; gnomAD exomes 0.00003.

Submissions (2):

Labcorp Genetics (formerly Invitae), Labcorp
Classification: Uncertain significance. Last evaluated: 2024-12-17. Review status: criteria provided, single submitter. Criteria: Invitae Variant Classification Sherloc (09022015). Collection method: clinical testing. Allele origin: germline.
Comment: This sequence change replaces alanine, which is neutral and non-polar, with valine, which is neutral and non-polar, at codon 1804 of the SCN3A protein (p.Ala1804Val). This variant is present in population databases (rs764672375, gnomAD 0.004%). This variant has not been reported in the literature in individuals affected with SCN3A-related conditions. ClinVar contains an entry for this variant (Variation ID: 288988). Invitae Evidence Modeling of protein sequence and biophysical properties (such as structural, functional, and spatial information, amino acid conservation, physicochemical variation, residue mobility, and thermodynamic stability) has been performed for this missense variant. However, the output from this modeling did not meet the statistical confidence thresholds required to predict the impact of this variant on SCN3A protein function. In summary, the available evidence is currently insufficient to determine the role of this variant in disease. Therefore, it has been classified as a Variant of Uncertain Significance.

Eurofins Ntd Llc (ga)
Classification: Uncertain significance. Last evaluated: 2016-07-19. Review status: criteria provided, single submitter. Criteria: EGL Classification Definitions 2015. Collection method: clinical testing. Allele origin: germline. Observed: 1 variant allele, 1 heterozygote.